The following is an entry in ClinVar:

ClinVar aggregate classification (germline): Uncertain significance (1 of 4 stars; one submission).

Submission:

Dasa
Classification: Uncertain significance. Last evaluated: 2025-03-10. Review status: criteria provided, single submitter. Criteria: DASA Assertion Criteria. Collection method: clinical testing. Allele origin: germline.
Comment: NM_001291415.2(KDM6A):c.2821A>T (p.Ile941Leu) is a missense variant that results in the substitution of isoleucine with leucine. This variant is absent from population databases. The currently available literature and clinical evidence are not sufficient to establish a definitive association between this variant and the reported condition. Therefore, this variant is classified as a variant of uncertain significance.

NM_001291415.2(KDM6A):c.2821A>T (p.Ile941Leu)

Gene: KDM6A (lysine demethylase 6A; plus strand). Cytogenetic location: Xp11.3.
Variant type: single nucleotide variant.
Coding change: c.2821A>T on transcript NM_001291415.2 (MANE Select); coding-DNA position 2821, A replaced by T.
Protein change: p.Ile941Leu; replaces isoleucine 941 with leucine.
Molecular consequence: missense variant. On other transcripts: non-coding transcript variant (1).
Genome position (GRCh38, 1-based): chrX:45,070,320, A>T. VCF-style: chrX-45070320-A-T. GRCh37 (hg19) VCF-style: chrX-44929565-A-T.
Other names: c.2686A>T, p.Ile896Leu (NM_001291416.2, NM_001419811.1); c.2530A>T, p.Ile844Leu (NM_001291417.2); c.2428A>T, p.Ile810Leu (NM_001291418.2, NM_001419815.1); c.1777A>T, p.Ile593Leu (NM_001291421.2); c.2563A>T, p.Ile855Leu (NM_001410742.1, NM_001419814.1); c.2821A>T, p.Ile941Leu (NM_001419809.1); c.2719A>T, p.Ile907Leu (NM_001419810.1, NM_001419813.1); c.2665A>T, p.Ile889Leu (NM_001419812.1, NM_021140.4); short protein forms I593L, I810L, I844L, I855L, I889L, I896L, I907L, I941L.
Identifiers: ClinVar variation 4885552 (VCV004885552.2).